The following is an entry in ClinVar:

ClinVar aggregate classification (germline): Uncertain significance (1 of 4 stars; one submission).

Allele frequency attached by ClinVar (database versions not stated): gnomAD 0.00001.
gnomAD v4.1: 18 of 1,614,002 alleles (0.0011%); highest among the groups gnomAD compares: Middle Eastern, 0.033%; no homozygotes.

Submission:

Labcorp Genetics (formerly Invitae), Labcorp
Classification: Uncertain significance. Last evaluated: 2022-12-17. Review status: criteria provided, single submitter. Criteria: Invitae Variant Classification Sherloc (09022015). Collection method: clinical testing. Allele origin: germline.
Comment: This sequence change replaces asparagine, which is neutral and polar, with lysine, which is basic and polar, at codon 286 of the DLC1 protein (p.Asn286Lys). This variant is present in population databases (no rsID available, gnomAD 0.0009%). This variant has not been reported in the literature in individuals affected with DLC1-related conditions. Algorithms developed to predict the effect of missense changes on protein structure and function are either unavailable or do not agree on the potential impact of this missense change (SIFT: "Deleterious"; PolyPhen-2: "Benign"; Align-GVGD: "Class C0"). In summary, the available evidence is currently insufficient to determine the role of this variant in disease. Therefore, it has been classified as a Variant of Uncertain Significance.

NM_182643.3(DLC1):c.858T>G (p.Asn286Lys)

Gene: DLC1 (DLC1 Rho GTPase activating protein; minus strand). Cytogenetic location: 8p22.
Variant type: single nucleotide variant.
Coding change: c.858T>G on transcript NM_182643.3 (MANE Select); coding-DNA position 858, T replaced by G.
Protein change: p.Asn286Lys; replaces asparagine 286 with lysine.
Molecular consequence: missense variant. On other transcripts: 5 prime UTR variant (1).
Genome position (GRCh38, 1-based): chr8:13,499,214, A>C on the plus strand (T>G on the coding strand, the complement: DLC1 is on the minus strand). VCF-style: chr8-13499214-A-C. GRCh37 (hg19) VCF-style: chr8-13356723-A-C.
Other names: c.858T>G, p.Asn286Lys (NM_001348081.2, NM_001413124.1, NM_001413125.1 and 1 more transcripts); c.-594T>G (NM_001348082.2); short protein forms N286K.
Identifiers: ClinVar variation 1976485 (VCV001976485.5), dbSNP rs761694859, ClinGen allele CA370380993.